The following is an entry in ClinVar:

NM_001353214.3(DYM):c.617C>T (p.Pro206Leu)

Gene: DYM (dymeclin; minus strand). Cytogenetic location: 18q21.1.
Variant type: single nucleotide variant.
Coding change: c.617C>T on transcript NM_001353214.3 (MANE Select); coding-DNA position 617, C replaced by T.
Protein change: p.Pro206Leu; replaces proline 206 with leucine.
Molecular consequence: missense variant. On other transcripts: intron variant (6).
Genome position (GRCh38, 1-based): chr18:49,333,731, G>A on the plus strand (C>T on the coding strand, the complement: DYM is on the minus strand). VCF-style: chr18-49333731-G-A. GRCh37 (hg19) VCF-style: chr18-46860101-G-A.
Other names: c.617C>T (NM_017653.3); c.617C>T, p.Pro206Leu (NM_001353210.3, NM_001353213.3, NM_001353215.3 and 10 more transcripts); c.614C>T, p.Pro205Leu (NM_001353211.3, NM_001353212.3, NM_001374429.1 and 1 more transcripts); c.389C>T, p.Pro130Leu (NM_001374440.1); c.194-47118C>T (NM_001374443.1); c.194-47115C>T (NM_001374444.1, NM_001374442.1, NM_001374441.1); c.495-1725C>T (NM_001374436.1, NM_001374432.1); short protein forms P206L, P130L, P205L.
Identifiers: ClinVar variation 2997785 (VCV002997785.2), dbSNP rs534946857, ClinGen allele CA8958324.

ClinVar aggregate classification (germline): Uncertain significance. Review status: criteria provided, multiple submitters, no conflicts (2 of 4 stars). 2 submissions from 2 submitters: Uncertain significance (2). Last evaluated 2025-11-24.

Conditions:
Inborn genetic diseases. Identifiers: MedGen C0950123, MeSH D030342.

Allele frequency attached by ClinVar (database versions not stated): TOPMed 0.00001; gnomAD 0.00003; ExAC 0.00011.
gnomAD v4.1: 77 of 1,613,694 alleles (0.0048%); highest among the groups gnomAD compares: Middle Eastern, 0.05%; no homozygotes.

Submissions (2):

Ambry Genetics
Classification: Uncertain significance for Inborn genetic diseases. Last evaluated: 2025-11-24. Review status: criteria provided, single submitter. Criteria: Ambry Variant Classification Scheme 2023. Collection method: clinical testing. Allele origin: germline.

Labcorp Genetics (formerly Invitae), Labcorp
Classification: Uncertain significance. Last evaluated: 2023-01-21. Review status: criteria provided, single submitter. Criteria: Invitae Variant Classification Sherloc (09022015). Collection method: clinical testing. Allele origin: germline.
Comment: In summary, the available evidence is currently insufficient to determine the role of this variant in disease. Therefore, it has been classified as a Variant of Uncertain Significance. Advanced modeling of protein sequence and biophysical properties (such as structural, functional, and spatial information, amino acid conservation, physicochemical variation, residue mobility, and thermodynamic stability) performed at Invitae indicates that this missense variant is not expected to disrupt DYM protein function. This variant has not been reported in the literature in individuals affected with DYM-related conditions. This variant is present in population databases (rs534946857, gnomAD 0.07%). This sequence change replaces proline, which is neutral and non-polar, with leucine, which is neutral and non-polar, at codon 206 of the DYM protein (p.Pro206Leu).